The following is an entry in ClinVar:

NM_000038.6(APC):c.2974del (p.Ser992fs)

Gene: APC (APC regulator of Wnt signaling pathway; plus strand). Cytogenetic location: 5q22.2.
Variant type: Deletion.
Coding change: c.2974del on transcript NM_000038.6 (MANE Select); coding-DNA position 2974, one base deleted (A; older notation c.2974delA).
Protein change: p.Ser992fs; shifts the reading frame from serine 992.
Molecular consequence: frameshift variant. On other transcripts: non-coding transcript variant (2).
Genome position (GRCh38, 1-based): chr5:112,838,568, A deleted; the last of 3 consecutive A bases (chr5:112,838,566-112,838,568); deleting any one gives the same sequence. VCF-style (leftmost placement, unchanged base first): chr5-112838565-GA-G. GRCh37 (hg19) VCF-style: chr5-112174262-GA-G.
Other names: c.2974del, p.Ser992fs (NM_001127510.3, NM_001354895.2, NM_001407450.1); c.2920del, p.Ser974fs (NM_001127511.3); c.3028del, p.Ser1010fs (NM_001354896.2, NM_001407447.1, NM_001407448.1 and 1 more transcripts); c.3004del, p.Ser1002fs (NM_001354897.2); c.2899del, p.Ser967fs (NM_001354898.2); c.2890del, p.Ser964fs (NM_001354899.2); c.2851del, p.Ser951fs (NM_001354900.2); c.2797del, p.Ser933fs (NM_001354901.2, NM_001407453.1); and 11 more; short protein forms S1002fs, S1010fs, S1020fs, S608fs, S709fs, S832fs, S863fs, S866fs.
Identifiers: ClinVar variation 2584226 (VCV002584226.2), dbSNP rs2533462836, ClinGen allele CA445963097.
Genomic context (GRCh38, chr5:112,838,565, plus strand): 5'-GATGGTTATGGTAAAAGAGGTCAAATGAAACCCTCGATTGAATCCTATTCTGAAGATGAT[GA>G]AAGTAAGTTTTGCAGTTATGGTCAATACCCAGCCGACCTAGCCCATAAAATACATAGTGC-3'

ClinVar aggregate classification (germline): Pathogenic (1 of 4 stars; one submission).

Conditions:
Familial adenomatous polyposis 1 (FAP1). Also called: FAMILIAL ADENOMATOUS POLYPOSIS 1, ATTENUATED; POLYPOSIS, ADENOMATOUS INTESTINAL. Identifiers: MedGen C2713442, MONDO:0021056, OMIM 175100. Disease mechanism: loss of function.

Submission:

Myriad Genetics, Inc.
Classification: Pathogenic for Familial adenomatous polyposis 1. Last evaluated: 2023-05-05. Review status: criteria provided, single submitter. Criteria: Myriad Autosomal Dominant, Autosomal Recessive and X-Linked Classification Criteria (2023). Collection method: clinical testing. Allele origin: unknown.
Comment: This variant is considered pathogenic. This variant creates a frameshift predicted to result in premature protein truncation.